The following is an entry in ClinVar:

ClinVar aggregate classification (germline): Uncertain significance (1 of 4 stars; one submission).

gnomAD v4.1: 8 of 1,614,100 alleles (0.0005%); highest among the groups gnomAD compares: African/African-American, 0.0067%; no homozygotes.

Submission:

Labcorp Genetics (formerly Invitae), Labcorp
Classification: Uncertain significance. Last evaluated: 2023-03-27. Review status: criteria provided, single submitter. Criteria: Invitae Variant Classification Sherloc (09022015). Collection method: clinical testing. Allele origin: germline.
Comment: An algorithm developed to predict the effect of missense changes on protein structure and function (PolyPhen-2) suggests that this variant is likely to be tolerated. In summary, the available evidence is currently insufficient to determine the role of this variant in disease. Therefore, it has been classified as a Variant of Uncertain Significance. ClinVar contains an entry for this variant (Variation ID: 1914331). This variant has not been reported in the literature in individuals affected with FAT2-related conditions. This variant is not present in population databases (gnomAD no frequency). This sequence change replaces glutamine, which is neutral and polar, with glutamic acid, which is acidic and polar, at codon 1766 of the FAT2 protein (p.Gln1766Glu).

NM_001447.3(FAT2):c.5296C>G (p.Gln1766Glu)

Genes: FAT2 (FAT atypical cadherin 2; minus strand), SLC36A1 (solute carrier family 36 member 1; plus strand). Cytogenetic location: 5q33.1.
Variant type: single nucleotide variant.
Coding change: c.5296C>G on transcript NM_001447.3 (MANE Select); coding-DNA position 5296, C replaced by G.
Protein change: p.Gln1766Glu; replaces glutamine 1766 with glutamic acid.
Molecular consequence: missense variant.
Genome position (GRCh38, 1-based): chr5:151,545,831, G>C on the plus strand (C>G on the coding strand, the complement: FAT2 is on the minus strand). VCF-style: chr5-151545831-G-C. GRCh37 (hg19) VCF-style: chr5-150925392-G-C.
Other names: short protein forms Q1766E.
Identifiers: ClinVar variation 1914331 (VCV001914331.5), dbSNP rs867609310, ClinGen allele CA129961058.
Genomic context (GRCh38, chr5:151,545,831, plus strand): 5'-CAAAGGGGTTGTTGTTTTTATCCATGATCATGCTATACAGTGGAGCTGCTTCACTAATTT[G>C]GCCCACAAAAGTTGACTTTAAGAACATAGGAGCATTGTCATTTTCATCAATTATGTCAAC-3'
Protein context (NP_001438.1, residues 1756-1776): PMFLKSTFVG[Gln1766Glu]ISEAAPLYSM